The following is an entry in ClinVar:

ClinVar aggregate classification (germline): Uncertain significance (1 of 4 stars; one submission).

Conditions:
DAAM2-related disorder. Also called: DAAM2-related condition.

Submission:

PreventionGenetics, part of Exact Sciences
Classification: Uncertain significance for DAAM2-related condition. Last evaluated: 2025-11-04. Review status: criteria provided, single submitter. Criteria: ACMG Guidelines, 2015. Collection method: clinical testing. Allele origin: germline.
Comment: The DAAM2 c.40C>A variant is predicted to result in the amino acid substitution p.Leu14Met. To our knowledge, this variant has not been reported in the literature. This variant is reported in 0.0055% of alleles in individuals of African descent in gnomAD. At this time, the clinical significance of this variant is uncertain due to the absence of conclusive functional and genetic evidence.

NM_001201427.2(DAAM2):c.40C>A (p.Leu14Met)

Gene: DAAM2 (dishevelled associated activator of morphogenesis 2; plus strand). Cytogenetic location: 6p21.2.
Variant type: single nucleotide variant.
Coding change: c.40C>A on transcript NM_001201427.2 (MANE Select); coding-DNA position 40, C replaced by A.
Protein change: p.Leu14Met; replaces leucine 14 with methionine.
Molecular consequence: missense variant.
Genome position (GRCh38, 1-based): chr6:39,856,342, C>A. VCF-style: chr6-39856342-C-A. GRCh37 (hg19) VCF-style: chr6-39824118-C-A.
Other names: c.40C>A, p.Leu14Met (NM_015345.4); short protein forms L14M.
Identifiers: ClinVar variation 4984167 (VCV004984167.1).